The following is an entry in ClinVar:

NM_017780.4(CHD7):c.1962G>C (p.Lys654Asn)

Genes: CHD7 (chromodomain helicase DNA binding protein 7; plus strand), LOC126860403 (CDK7 strongly-dependent group 2 enhancer GRCh37_chr8:61693034-61694233; plus strand). Cytogenetic location: 8q12.2.
Variant type: single nucleotide variant.
Coding change: c.1962G>C on transcript NM_017780.4 (MANE Select); coding-DNA position 1962, G replaced by C.
Protein change: p.Lys654Asn; replaces lysine 654 with asparagine.
Molecular consequence: missense variant. On other transcripts: intron variant (1).
Genome position (GRCh38, 1-based): chr8:60,781,296, G>C. VCF-style: chr8-60781296-G-C. GRCh37 (hg19) VCF-style: chr8-61693855-G-C.
Other names: c.1716+246G>C (NM_001316690.1); short protein forms K654N.
Identifiers: ClinVar variation 2838937 (VCV002838937.3), dbSNP rs2487539869, ClinGen allele CA371313207.

ClinVar aggregate classification (germline): Uncertain significance (1 of 4 stars; one submission).

Conditions:
CHARGE syndrome (CHARGE). Also called: Hittner Hirsch Kreh syndrome; CHARGE ASSOCIATION--COLOBOMA, HEART ANOMALY, CHOANAL ATRESIA, RETARDATION, GENITAL AND EAR ANOMALIES; Coloboma, heart anomaly, choanal atresia, retardation, genital and ear anomalies; CHARGE association; Hall-Hittner syndrome. Identifiers: Orphanet 138, MedGen C0265354, MONDO:0008965.

Submission:

Labcorp Genetics (formerly Invitae), Labcorp
Classification: Uncertain significance for CHARGE syndrome. Last evaluated: 2023-02-18. Review status: criteria provided, single submitter. Criteria: Invitae Variant Classification Sherloc (09022015). Collection method: clinical testing. Allele origin: germline.
Comment: This sequence change replaces lysine, which is basic and polar, with asparagine, which is neutral and polar, at codon 654 of the CHD7 protein (p.Lys654Asn). This variant is not present in population databases (gnomAD no frequency). This variant has not been reported in the literature in individuals affected with CHD7-related conditions. Advanced modeling of protein sequence and biophysical properties (such as structural, functional, and spatial information, amino acid conservation, physicochemical variation, residue mobility, and thermodynamic stability) performed at Invitae indicates that this missense variant is not expected to disrupt CHD7 protein function. In summary, the available evidence is currently insufficient to determine the role of this variant in disease. Therefore, it has been classified as a Variant of Uncertain Significance.